The following is an entry in ClinVar:

NM_015046.7(SETX):c.7514C>G (p.Ala2505Gly)

Gene: SETX (senataxin; minus strand). Cytogenetic location: 9q34.13.
Variant type: single nucleotide variant.
Coding change: c.7514C>G on transcript NM_015046.7 (MANE Select); coding-DNA position 7514, C replaced by G.
Protein change: p.Ala2505Gly; replaces alanine 2505 with glycine.
Molecular consequence: missense variant.
Genome position (GRCh38, 1-based): chr9:132,264,759, G>C on the plus strand (C>G on the coding strand, the complement: SETX is on the minus strand). VCF-style: chr9-132264759-G-C. GRCh37 (hg19) VCF-style: chr9-135140146-G-C.
Other names: c.7514C>G, p.Ala2505Gly (NM_001351527.2); c.7601C>G, p.Ala2534Gly (NM_001351528.2); short protein forms A2534G, A2505G.
Identifiers: ClinVar variation 4979854 (VCV004979854.1).

ClinVar aggregate classification (germline): Uncertain significance (1 of 4 stars; one submission).

Conditions:
SETX-related disorder. Also called: SETX-related condition; SETX-related disorders. Identifiers: MedGen CN239403.

gnomAD v4.1: 3 of 1,614,078 alleles (0.00019%); highest among the groups gnomAD compares: African/African-American, 0.0013%; no homozygotes.

Submission:

PreventionGenetics, part of Exact Sciences
Classification: Uncertain significance for SETX-related condition. Last evaluated: 2025-06-11. Review status: criteria provided, single submitter. Criteria: ACMG Guidelines, 2015. Collection method: clinical testing. Allele origin: germline.
Comment: The SETX c.7514C>G variant is predicted to result in the amino acid substitution p.Ala2505Gly. To our knowledge, this variant has not been reported in the literature. This variant is reported in 0.0040% of alleles in individuals of African descent in gnomAD. At this time, the clinical significance of this variant is uncertain due to the absence of conclusive functional and genetic evidence.